The following is an entry in ClinVar:

ClinVar aggregate classification (germline): Likely pathogenic (1 of 4 stars; one submission).

Submission:

GeneDx
Classification: Likely pathogenic. Last evaluated: 2017-12-13. Review status: criteria provided, single submitter. Criteria: GeneDx Variant Classification (06012015). Collection method: clinical testing. Allele origin: germline. Affected: yes.
Comment: The G250C variant in the SHANK3 gene has not been published as a pathogenic variant, nor has it been reported as a benign polymorphism to our knowledge. The G250C variant was not observed in approximately 6100 individuals of European and African American ancestry in the NHLBI Exome Sequencing Project, indicating it is not a common benign variant in these populations. The G250C variant is a non-conservative amino acid substitution, which occurs in the ANK 4 domain at a position that is conserved across species. In silico analysis predicts this variant is probably damaging to the protein structure/function. The G250C variant is a strong candidate for a disease-causing variant, however the possibility it may be a rare benign variant cannot be excluded

NM_001372044.2(SHANK3):c.973G>T (p.Gly325Cys)

Gene: SHANK3 (SH3 and multiple ankyrin repeat domains 3; plus strand). Cytogenetic location: 22q13.33.
Variant type: single nucleotide variant.
Coding change: c.973G>T on transcript NM_001372044.2 (MANE Select); coding-DNA position 973, G replaced by T.
Protein change: p.Gly325Cys; replaces glycine 325 with cysteine.
Molecular consequence: missense variant.
Genome position (GRCh38, 1-based): chr22:50,679,166, G>T. VCF-style: chr22-50679166-G-T. GRCh37 (hg19) VCF-style: chr22-51117594-G-T.
Other names: c.748G>T, p.Gly250Cys (NM_033517.1); short protein forms G250C, G325C.
Identifiers: ClinVar variation 429573 (VCV000429573.2), dbSNP rs1131691463, ClinGen allele CA515254126.